The following is an entry in ClinVar:

ClinVar aggregate classification (germline): Uncertain significance (1 of 4 stars; one submission).

Submission:

GeneDx
Classification: Uncertain significance. Last evaluated: 2026-03-31. Review status: criteria provided, single submitter. Criteria: GeneDx Variant Classification Process June 2021. Collection method: clinical testing. Allele origin: germline.
Comment: Not observed at significant frequency in large population cohorts (gnomAD); In silico analysis supports that this missense variant has a deleterious effect on protein structure/function; Has not been previously published as pathogenic or benign to our knowledge

NM_000069.3(CACNA1S):c.4334G>T (p.Cys1445Phe)

Gene: CACNA1S (calcium voltage-gated channel subunit alpha1 S; minus strand). Cytogenetic location: 1q32.1.
Variant type: single nucleotide variant.
Coding change: c.4334G>T on transcript NM_000069.3 (MANE Select); coding-DNA position 4334, G replaced by T.
Protein change: p.Cys1445Phe; replaces cysteine 1445 with phenylalanine.
Molecular consequence: missense variant.
Genome position (GRCh38, 1-based): chr1:201,049,007, C>A on the plus strand (G>T on the coding strand, the complement: CACNA1S is on the minus strand). VCF-style: chr1-201049007-C-A. GRCh37 (hg19) VCF-style: chr1-201018135-C-A.
Other names: short protein forms C1445F.
Identifiers: ClinVar variation 5017874 (VCV005017874.1).
Genomic context (GRCh38, chr1:201,049,007, plus strand): 5'-TGCCTCAGTGACTCTTCCCCTCCCTGGGGCCACCCATCCCTGGCAGCTCTGGTTACCTTA[C>A]AAGCTACCCGATGTGGGCAGAACTTCCCAAAGCCCAGAGGGGGCTGAATCCTTCTCAGCA-3'
Protein context (NP_000060.2, residues 1435-1455): FGKFCPHRVA[Cys1445Phe]KRLVGMNMPL